The following is an entry in ClinVar:

NM_001131016.2(CIZ1):c.985C>T (p.Arg329Trp)

Gene: CIZ1 (CDKN1A interacting zinc finger protein 1; minus strand). Cytogenetic location: 9q34.11.
Variant type: single nucleotide variant.
Coding change: c.985C>T on transcript NM_001131016.2 (MANE Select); coding-DNA position 985, C replaced by T.
Protein change: p.Arg329Trp; replaces arginine 329 with tryptophan.
Molecular consequence: missense variant.
Genome position (GRCh38, 1-based): chr9:128,179,222, G>A on the plus strand (C>T on the coding strand, the complement: CIZ1 is on the minus strand). VCF-style: chr9-128179222-G-A. GRCh37 (hg19) VCF-style: chr9-130941501-G-A.
Other names: c.985C>T, p.Arg329Trp (NM_001131015.2, NM_012127.3); c.970C>T, p.Arg324Trp (NM_001131017.2); c.913C>T, p.Arg305Trp (NM_001131018.2); c.1075C>T, p.Arg359Trp (NM_001257975.2); c.682C>T, p.Arg228Trp (NM_001257976.2); short protein forms R324W, R329W, R359W, R228W, R305W.
Identifiers: ClinVar variation 1490008 (VCV001490008.8), dbSNP rs201480831, ClinGen allele CA5257395.

ClinVar aggregate classification (germline): Uncertain significance (1 of 4 stars; one submission).

Conditions:
Dystonic disorder. Also called: Dystonia. Identifiers: MedGen C0013421, MONDO:0003441, HP:0001332.

Allele frequency attached by ClinVar (database versions not stated): gnomAD exomes 0.00005 and 0.00011; gnomAD 0.00006 and 0.00009; ExAC 0.00012; TOPMed 0.00013; 1000 Genomes Project 30x 0.00062; 1000 Genomes Project 0.00080.
gnomAD v4.1: 100 of 1,614,084 alleles (0.0062%); highest among the groups gnomAD compares: South Asian, 0.049%; no homozygotes.

Submission:

Labcorp Genetics (formerly Invitae), Labcorp
Classification: Uncertain significance for Dystonic disorder. Last evaluated: 2025-06-01. Review status: criteria provided, single submitter. Criteria: Invitae Variant Classification Sherloc (09022015). Collection method: clinical testing. Allele origin: germline.
Comment: This sequence change replaces arginine, which is basic and polar, with tryptophan, which is neutral and slightly polar, at codon 329 of the CIZ1 protein (p.Arg329Trp). This variant is present in population databases (rs201480831, gnomAD 0.05%), and has an allele count higher than expected for a pathogenic variant. This variant has not been reported in the literature in individuals affected with CIZ1-related conditions. ClinVar contains an entry for this variant (Variation ID: 1490008). An algorithm developed to predict the effect of missense changes on protein structure and function (PolyPhen-2) suggests that this variant is likely to be tolerated. In summary, the available evidence is currently insufficient to determine the role of this variant in disease. Therefore, it has been classified as a Variant of Uncertain Significance.